The following is an entry in ClinVar:

NM_000057.4(BLM):c.3558+5A>T

Gene: BLM (BLM RecQ like helicase; plus strand). Cytogenetic location: 15q26.1.
Variant type: single nucleotide variant.
Coding change: c.3558+5A>T on transcript NM_000057.4 (MANE Select); 5 bases into the intron after coding-DNA position 3558, A replaced by T.
Molecular consequence: intron variant.
Genome position (GRCh38, 1-based): chr15:90,803,725, A>T. VCF-style: chr15-90803725-A-T. GRCh37 (hg19) VCF-style: chr15-91346955-A-T.
Other names: c.3558+5A>T (NM_001287246.2); c.2433+5A>T (NM_001287248.2); c.3358+5388A>T (NM_001287247.2).
Identifiers: ClinVar variation 3572339 (VCV003572339.1).

ClinVar aggregate classification (germline): Uncertain significance (1 of 4 stars; one submission).

Submission:

Quest Diagnostics Nichols Institute San Juan Capistrano
Classification: Uncertain significance. Last evaluated: 2024-06-06. Review status: criteria provided, single submitter. Criteria: Quest Diagnostics criteria. Collection method: clinical testing. Allele origin: unknown.
Comment: The BLM c.3558+5A>T variant has not been reported in individuals with BLM-related conditions in the published literature. It also has not been reported in large, multi-ethnic general populations (Genome Aggregation Database). Analysis of this variant using software algorithms for the prediction of the effect of nucleotide changes on BLM mRNA splicing yielded inconclusive findings. Based on the available information, we are unable to determine the clinical significance of this variant.